The following is an entry in ClinVar:

ClinVar aggregate classification (germline): Uncertain significance. Review status: criteria provided, multiple submitters, no conflicts (2 of 4 stars). 2 submissions from 2 submitters: Uncertain significance (2). Last evaluated 2026-03-14.

Allele frequency attached by ClinVar (database versions not stated): ExAC 0.00001; gnomAD exomes 0.00001.

Submissions (2):

GeneDx
Classification: Uncertain significance. Last evaluated: 2026-03-14. Review status: criteria provided, single submitter. Criteria: GeneDx Variant Classification Process June 2021. Collection method: clinical testing. Allele origin: germline.
Comment: Not observed at significant frequency in large population cohorts (gnomAD); In silico analysis supports that this missense variant has a deleterious effect on protein structure/function; Has not been previously published as pathogenic or benign to our knowledge

Labcorp Genetics (formerly Invitae), Labcorp
Classification: Uncertain significance. Last evaluated: 2023-10-03. Review status: criteria provided, single submitter. Criteria: Invitae Variant Classification Sherloc (09022015). Collection method: clinical testing. Allele origin: germline.
Comment: This sequence change replaces arginine, which is basic and polar, with histidine, which is basic and polar, at codon 366 of the LAMC3 protein (p.Arg366His). This variant is present in population databases (rs752573959, gnomAD 0.003%). This variant has not been reported in the literature in individuals affected with LAMC3-related conditions. ClinVar contains an entry for this variant (Variation ID: 1370275). Algorithms developed to predict the effect of missense changes on protein structure and function output the following: SIFT: "Not Available"; PolyPhen-2: "Benign"; Align-GVGD: "Not Available". The histidine amino acid residue is found in multiple mammalian species, which suggests that this missense change does not adversely affect protein function. In summary, the available evidence is currently insufficient to determine the role of this variant in disease. Therefore, it has been classified as a Variant of Uncertain Significance.

NM_006059.4(LAMC3):c.1097G>A (p.Arg366His)

Gene: LAMC3 (laminin subunit gamma 3; plus strand). Cytogenetic location: 9q34.12.
Variant type: single nucleotide variant.
Coding change: c.1097G>A on transcript NM_006059.4 (MANE Select); coding-DNA position 1097, G replaced by A.
Protein change: p.Arg366His; replaces arginine 366 with histidine.
Molecular consequence: missense variant.
Genome position (GRCh38, 1-based): chr9:131,038,984, G>A. VCF-style: chr9-131038984-G-A. GRCh37 (hg19) VCF-style: chr9-133914371-G-A.
Other names: c.1097G>A (NM_006059.3); short protein forms R366H.
Identifiers: ClinVar variation 1370275 (VCV001370275.7), dbSNP rs752573959, ClinGen allele CA5286936.